The following is an entry in ClinVar:

ClinVar aggregate classification (germline): Likely benign (1 of 4 stars; one submission).

Submission:

Quest Diagnostics Nichols Institute San Juan Capistrano
Classification: Likely benign. Last evaluated: 2015-06-27. Review status: criteria provided, single submitter. Criteria: Quest Diagnostics criteria. Collection method: clinical testing. Allele origin: unknown.
Comment: To the best of our knowledge, this variant has not been reported in the published literature. The frequency of this variant in the general population, 0.00014 (5/34532 chromosomes), is uninformative in assessment of its pathogenicity. Analysis of this variant using software algorithms for the prediction of the effect of nucleotide changes on splicing yielded predictions that this variant does not affect BRCA2 mRNA splicing . Based on the available information, we are unable to determine the clinical significance of this variant.

NM_000059.4(BRCA2):c.9502-41del

Gene: BRCA2 (BRCA2 DNA repair associated; plus strand). Cytogenetic location: 13q13.1.
Variant type: Deletion.
Coding change: c.9502-41del on transcript NM_000059.4 (MANE Select); 41 bases into the intron before coding-DNA position 9502, one base deleted (G; older notation c.9502-41delG).
Molecular consequence: intron variant.
Genome position (GRCh38, 1-based): chr13:32,396,857, G deleted; the last of 3 consecutive G bases (chr13:32,396,855-32,396,857); deleting any one gives the same sequence. VCF-style (leftmost placement, unchanged base first): chr13-32396854-TG-T. GRCh37 (hg19) VCF-style: chr13-32970991-TG-T.
Other names: c.9451-41del (NM_001406720.1); c.9406-41del (NM_001406719.1); c.4570-41del (NM_001406721.1); c.3085-41del (NM_001406722.1).
Identifiers: ClinVar variation 2681847 (VCV002681847.1), dbSNP rs762221479, ClinGen allele CA6941404.
Genomic context (GRCh38, chr13:32,396,854, plus strand): 5'-TTTTGGTCCAAACTTTTCATTTCTGCTTTTAAAGGAAATACTTTTGGAAACATAAATATG[TG>T]GGTTTGCAATTTATAAAGCAGCTTTTCCACTTATTTTCTTAGAATATTGACATACTTTGC-3'